The following is an entry in ClinVar:

ClinVar aggregate classification (germline): Likely benign (1 of 4 stars; one submission).

Allele frequency attached by ClinVar (database versions not stated): 1000 Genomes Project 30x 0.00203.
gnomAD v4.1: 2,009 of 1,608,458 alleles (0.12%); highest among the groups gnomAD compares: Middle Eastern, 0.76%; 29 homozygotes.

Submission:

CeGaT Center for Human Genetics Tuebingen
Classification: Likely benign. Last evaluated: 2025-04-01. Review status: criteria provided, single submitter. Criteria: CeGaT Center For Human Genetics Tuebingen Variant Classification Criteria Version 2. Collection method: clinical testing. Allele origin: germline. Affected: yes. Observed: 3 variant alleles.
Comment: ANKRD36: BP4, BS2

NM_001354587.1(ANKRD36):c.-4G>C

Genes: ANKRD36 (ankyrin repeat domain 36; plus strand), LOC129934384 (ATAC-STARR-seq lymphoblastoid active region 16237; plus strand). Cytogenetic location: 2q11.2.
Variant type: single nucleotide variant.
Coding change: c.-4G>C on transcript NM_001354587.1 (MANE Select); 4 bases upstream of the start codon, G replaced by C.
Molecular consequence: 5 prime UTR variant.
Genome position (GRCh38, 1-based): chr2:97,113,736, G>C. VCF-style: chr2-97113736-G-C. GRCh37 (hg19) VCF-style: chr2-97779473-G-C.
Other names: c.-4G>C (NM_198555.4).
Identifiers: ClinVar variation 2651154 (VCV002651154.24), dbSNP rs201655336, ClinGen allele CA1786410.